The following is an entry in ClinVar:

NM_001005373.4(LRSAM1):c.1860C>G (p.His620Gln)

Gene: LRSAM1 (leucine rich repeat and sterile alpha motif containing 1; plus strand). Cytogenetic location: 9q33.3.
Variant type: single nucleotide variant.
Coding change: c.1860C>G on transcript NM_001005373.4 (MANE Select); coding-DNA position 1860, C replaced by G.
Protein change: p.His620Gln; replaces histidine 620 with glutamine.
Molecular consequence: missense variant. On other transcripts: non-coding transcript variant (2).
Genome position (GRCh38, 1-based): chr9:127,497,282, C>G. VCF-style: chr9-127497282-C-G. GRCh37 (hg19) VCF-style: chr9-130259561-C-G.
Other names: c.1860C>G, p.His620Gln (NM_001005374.4, NM_001384142.1, NM_138361.5); c.1779C>G, p.His593Gln (NM_001190723.3); c.1761C>G, p.His587Gln (NM_001384143.1); c.1071C>G, p.His357Gln (NM_001384144.1); short protein forms H357Q, H587Q, H593Q, H620Q.
Identifiers: ClinVar variation 3614678 (VCV003614678.2).

ClinVar aggregate classification (germline): Uncertain significance (1 of 4 stars; one submission).

Conditions:
Charcot-Marie-Tooth disease axonal type 2P. Also called: Charcot-Marie-Tooth Neuropathy Type 2G; CHARCOT-MARIE-TOOTH NEUROPATHY, TYPE 2P; CHARCOT-MARIE-TOOTH DISEASE, AXONAL, TYPE 2G; CMT 2G. Identifiers: Orphanet 300319, Orphanet 99941, MedGen C3280797, MONDO:0013753, OMIM 614436.

Submission:

Labcorp Genetics (formerly Invitae), Labcorp
Classification: Uncertain significance for Charcot-Marie-Tooth disease axonal type 2P. Last evaluated: 2025-08-11. Review status: criteria provided, single submitter. Criteria: Invitae Variant Classification Sherloc (09022015). Collection method: clinical testing. Allele origin: germline.
Comment: This sequence change replaces histidine, which is basic and polar, with glutamine, which is neutral and polar, at codon 620 of the LRSAM1 protein (p.His620Gln). This variant is not present in population databases (gnomAD no frequency). This variant has not been reported in the literature in individuals affected with LRSAM1-related conditions. ClinVar contains an entry for this variant (Variation ID: 3614678). Invitae Evidence Modeling of protein sequence and biophysical properties (such as structural, functional, and spatial information, amino acid conservation, physicochemical variation, residue mobility, and thermodynamic stability) indicates that this missense variant is not expected to disrupt LRSAM1 protein function with a negative predictive value of 80%. In summary, the available evidence is currently insufficient to determine the role of this variant in disease. Therefore, it has been classified as a Variant of Uncertain Significance.